The following is an entry in ClinVar:

NM_000052.7(ATP7A):c.3480G>A (p.Ser1160=)

Gene: ATP7A (ATPase copper transporting alpha; plus strand). Cytogenetic location: Xq21.1.
Variant type: single nucleotide variant.
Coding change: c.3480G>A on transcript NM_000052.7 (MANE Select); coding-DNA position 3480, G replaced by A.
Protein change: p.Ser1160=; no amino-acid change (serine 1160 retained).
Molecular consequence: synonymous variant. On other transcripts: non-coding transcript variant (1).
Genome position (GRCh38, 1-based): chrX:78,033,790, G>A. VCF-style: chrX-78033790-G-A. GRCh37 (hg19) VCF-style: chrX-77289288-G-A.
Other names: c.3246G>A, p.Ser1082= (NM_001282224.2).
Identifiers: ClinVar variation 726832 (VCV000726832.36), dbSNP rs144293453, ClinGen allele CA10459419.

ClinVar aggregate classification (germline): Benign/Likely benign. Review status: criteria provided, multiple submitters, no conflicts (2 of 4 stars). 4 submissions from 4 submitters: Benign (1); Likely benign (2). 1 of the submissions does not count toward it. Last evaluated 2026-02-01.

Conditions:
Menkes kinky-hair syndrome (MNK). Also called: Classic Menkes Disease; Copper transport disease; Menkes Disease. Identifiers: Orphanet 565, MedGen C0022716, MONDO:0010651, OMIM 309400.
Ehlers-Danlos syndrome (EDS). Identifiers: Orphanet 98249, MedGen C0013720, MONDO:0020066.
Cutis laxa, X-linked (OHS). Also called: EDS IX; Occipital horn syndrome. Identifiers: Orphanet 198, MedGen C0268353, MONDO:0010572, OMIM 304150.
X-linked distal spinal muscular atrophy type 3. Also called: ATP7A-Related Distal Motor Neuropathy; NEURONOPATHY, DISTAL HEREDITARY MOTOR, X-LINKED; NEUROPATHY, DISTAL HEREDITARY MOTOR, X-LINKED; SPINAL MUSCULAR ATROPHY, DISTAL, X-LINKED RECESSIVE. Identifiers: Orphanet 139557, MedGen C1845359, MONDO:0010338, OMIM 300489.

Allele frequency attached by ClinVar (database versions not stated): ExAC 0.00003; gnomAD exomes 0.00003 and 0.00006; gnomAD 0.00005; TOPMed 0.00005; ESP Exome Variant Server 0.00009.
gnomAD v4.1: 73 of 1,208,535 alleles (0.006%); highest among the groups gnomAD compares: Non-Finnish European, 0.0077%; no homozygotes.

Submissions (4):

Labcorp Genetics (formerly Invitae), Labcorp
Classification: Benign for X-linked distal spinal muscular atrophy type 3; Cutis laxa, X-linked; Menkes kinky-hair syndrome. Last evaluated: 2026-02-01. Review status: criteria provided, single submitter. Criteria: Invitae Variant Classification Sherloc (09022015). Collection method: clinical testing. Allele origin: germline.

CeGaT Center for Human Genetics Tuebingen
Classification: Likely benign. Last evaluated: 2024-03-01. Review status: criteria provided, single submitter. Criteria: CeGaT Center For Human Genetics Tuebingen Variant Classification Criteria Version 2. Collection method: clinical testing. Allele origin: germline. Affected: yes. Observed: 1 variant allele.
Comment: ATP7A: BP4, BP7, BS2

Genome Diagnostics Laboratory, The Hospital for Sick Children
Classification: Likely benign for Ehlers-Danlos syndrome. Last evaluated: 2019-12-01. Review status: criteria provided, single submitter. Criteria: ACMG Guidelines, 2015. Collection method: clinical testing. Allele origin: germline.

Natera, Inc.
Classification: Likely benign for Menkes kinky hair syndrome. Last evaluated: 2020-03-09. Review status: no assertion criteria provided. Collection method: clinical testing. Allele origin: germline. Not counted in ClinVar's aggregate classification.